The following is an entry in ClinVar:

ClinVar aggregate classification (germline): Uncertain significance. Review status: criteria provided, multiple submitters, no conflicts (2 of 4 stars). 2 submissions from 2 submitters: Uncertain significance (2). Last evaluated 2025-09-26.

Conditions:
Inborn genetic diseases. Identifiers: MedGen C0950123, MeSH D030342.

Allele frequency attached by ClinVar (database versions not stated): ExAC 0.00001; gnomAD exomes 0.00001.
gnomAD v4.1: 25 of 1,613,910 alleles (0.0015%); highest among the groups gnomAD compares: Non-Finnish European, 0.0017%; no homozygotes.

Submissions (2):

Ambry Genetics
Classification: Uncertain significance for Inborn genetic diseases. Last evaluated: 2025-09-26. Review status: criteria provided, single submitter. Criteria: Ambry Variant Classification Scheme 2023. Collection method: clinical testing. Allele origin: germline.

Labcorp Genetics (formerly Invitae), Labcorp
Classification: Uncertain significance. Last evaluated: 2021-10-13. Review status: criteria provided, single submitter. Criteria: Invitae Variant Classification Sherloc (09022015). Collection method: clinical testing. Allele origin: germline.
Comment: Algorithms developed to predict the effect of sequence changes on RNA splicing suggest that this variant may create or strengthen a splice site. In summary, the available evidence is currently insufficient to determine the role of this variant in disease. Therefore, it has been classified as a Variant of Uncertain Significance. Algorithms developed to predict the effect of missense changes on protein structure and function (SIFT, PolyPhen-2, Align-GVGD) all suggest that this variant is likely to be disruptive. This variant has not been reported in the literature in individuals affected with MYH14-related conditions. This variant is present in population databases (rs781714533, ExAC 0.002%). This sequence change replaces lysine with arginine at codon 1830 of the MYH14 protein (p.Lys1830Arg). The lysine residue is highly conserved and there is a small physicochemical difference between lysine and arginine.

NM_001145809.2(MYH14):c.5612A>G (p.Lys1871Arg)

Gene: MYH14 (myosin heavy chain 14; plus strand). Cytogenetic location: 19q13.33.
Variant type: single nucleotide variant.
Coding change: c.5612A>G on transcript NM_001145809.2 (MANE Select); coding-DNA position 5612, A replaced by G.
Protein change: p.Lys1871Arg; replaces lysine 1871 with arginine.
Molecular consequence: missense variant.
Genome position (GRCh38, 1-based): chr19:50,301,803, A>G. VCF-style: chr19-50301803-A-G. GRCh37 (hg19) VCF-style: chr19-50805060-A-G.
Other names: c.5513A>G, p.Lys1838Arg (NM_001077186.2); c.5489A>G, p.Lys1830Arg (NM_024729.4); c.5489A>G (NM_024729.3); short protein forms K1871R, K1830R, K1838R.
Identifiers: ClinVar variation 1379654 (VCV001379654.7), dbSNP rs781714533, ClinGen allele CA9593861.